The following is an entry in ClinVar:

ClinVar aggregate classification (germline): Conflicting classifications of pathogenicity. Review status: criteria provided, conflicting classifications (1 of 4 stars). 5 submissions from 5 submitters: Likely pathogenic (1); Uncertain significance (3). 1 of the submissions does not count toward it. Last evaluated 2025-09-23.

Conditions:
Inborn genetic diseases. Identifiers: MedGen C0950123, MeSH D030342.
DDX41-related hematologic malignancy predisposition syndrome. Also called: Myeloproliferative/lymphoproliferative neoplasms, familial (multiple types), susceptibility to; DDX41-Associated Familial Myelodysplastic Syndrome and Acute Myeloid Leukemia. Identifiers: Orphanet 488647, MedGen C4225174, MONDO:0014809, OMIM 616871.
DDX41-related disorder. Also called: DDX41-related condition.

Allele frequency attached by ClinVar (database versions not stated): gnomAD 0.00001 and 0.00002; gnomAD exomes 0.00001 and 0.00003; TOPMed 0.00001; ExAC 0.00003; 1000 Genomes Project 30x 0.00016; 1000 Genomes Project 0.00020.
gnomAD v4.1: 20 of 1,612,048 alleles (0.0012%); highest among the groups gnomAD compares: East Asian, 0.031%; no homozygotes.

Submissions (5):

Labcorp Genetics (formerly Invitae), Labcorp
Classification: Uncertain significance. Last evaluated: 2025-09-23. Review status: criteria provided, single submitter. Criteria: Invitae Variant Classification Sherloc (09022015). Collection method: clinical testing. Allele origin: germline.
Comment: This sequence change replaces tyrosine, which is neutral and polar, with cysteine, which is neutral and slightly polar, at codon 259 of the DDX41 protein (p.Tyr259Cys). This variant is present in population databases (rs139780256, gnomAD 0.02%). This missense change has been observed in individual(s) with clinical features of DDX41-related conditions (PMID: 33626862, 35671390, 37144604, 37665752). ClinVar contains an entry for this variant (Variation ID: 1312512). An algorithm developed to predict the effect of missense changes on protein structure and function (PolyPhen-2) suggests that this variant is likely to be disruptive. In summary, the available evidence is currently insufficient to determine the role of this variant in disease. Therefore, it has been classified as a Variant of Uncertain Significance.

GeneDx
Classification: Likely pathogenic. Last evaluated: 2025-04-15. Review status: criteria provided, single submitter. Criteria: GeneDx Variant Classification Process June 2021. Collection method: clinical testing. Allele origin: germline. Affected: yes.
Comment: Case control studies suggest this variant is associated with myelodysplastic syndrome when seen in combination with a second somatic DDX41 variant (PMID: 33626862); In vitro functional analysis suggests Y259C negatively impacts protein expression level, protein interactions, and homologous recombination activity (PMID: 38514771); In silico analysis supports that this missense variant has a deleterious effect on protein structure/function; This variant is associated with the following publications: (PMID: 33585199, 28547672, 28637623, Makishima2018[Abstract], 33626862, 27721487, 35612271, 36036093, 36125233, 35781188, 34349893, 36672294, 38348889, 38514771, 39564659, 39501104, QinL2024[abstract], 40040251, 37506341, 34644397, 37665752, 37144604, 35671390, 35844724, 36322930)

Ambry Genetics
Classification: Uncertain significance for Inborn genetic diseases. Last evaluated: 2024-09-11. Review status: criteria provided, single submitter. Criteria: Ambry Variant Classification Scheme 2023. Collection method: clinical testing. Allele origin: germline.
Comment: The p.Y259C variant (also known as c.776A>G), located in coding exon 8 of the DDX41 gene, results from an A to G substitution at nucleotide position 776. The tyrosine at codon 259 is replaced by cysteine, an amino acid with highly dissimilar properties. This alteration has been detected in numerous individuals with a suspected or confirmed myeloid neoplasm (Alkhateeb HB et al., Blood Adv 2022 Jan;6(2):528-532; Choi EJ et al., Haematologica 2022 Feb;107(2):510-518; Li P et al, Blood 2022 Aug;140(7):716-755; Makishima H et al, Blood 2023 Feb;141(5):534-549; Park HS et al, Lab Med 2023 Mar;54(2):199-205; Huo L et al., Br J Haematol 2023 Jul;202(1):199-203; Cheloor Kovilakam S et al, Blood 2023 Oct;142(14):1185-1192). This amino acid position is highly conserved in available vertebrate species. In addition, the in silico prediction for this alteration is inconclusive. Based on the available evidence, the clinical significance of this variant remains unclear.

PreventionGenetics, part of Exact Sciences
Classification: Uncertain significance for DDX41-related condition. Last evaluated: 2022-09-08. Review status: criteria provided, single submitter. Criteria: ACMG Guidelines, 2015. Collection method: clinical testing. Allele origin: germline.
Comment: The DDX41 c.776A>G variant is predicted to result in the amino acid substitution p.Tyr259Cys. This variant has been reported as germline along with another somatic variant in DDX41 in multiple individuals with idiopathic cytopenia, myelodysplastic syndrome, or acute myeloid leukemia (Zhang et al. 2021. PubMed ID: 35844724; Choi et al. 2022. PubMed ID: 33626862. Table S2 and S3; DOI 10.1182/blood-2020-140174). In Choi et al. the p.Tyr259Cys variant was interpreted as uncertain (Choi et al. 2022. PubMed ID: 33626862. Table S3). This variant is reported in 0.030% of alleles in individuals of East Asian descent in gnomAD. Although we suspect this variant may be pathogenic, at this time, the clinical significance of this variant is uncertain due to the absence of conclusive functional and genetic evidence.

GeneReviews
No classification provided. Condition: DDX41-related hematologic malignancy predisposition syndrome. Review status: no classification provided. Collection method: literature only. Allele origin: germline. Not counted in ClinVar's aggregate classification.
Comment: Common recurrent germline variant in persons of Korean & Japanese ancestry [Choi et al 2021]

Literature cited by the submitters: PubMed 33626862 (cited by Labcorp Genetics (formerly Invitae), Labcorp and GeneReviews); PubMed 35671390 (cited by Labcorp Genetics (formerly Invitae), Labcorp); PubMed 37144604 (cited by Labcorp Genetics (formerly Invitae), Labcorp); PubMed 37665752 (cited by Labcorp Genetics (formerly Invitae), Labcorp).

NM_016222.4(DDX41):c.776A>G (p.Tyr259Cys)

Gene: DDX41 (DEAD-box helicase 41; minus strand). Cytogenetic location: 5q35.3.
Variant type: single nucleotide variant.
Coding change: c.776A>G on transcript NM_016222.4 (MANE Select); coding-DNA position 776, A replaced by G.
Protein change: p.Tyr259Cys; replaces tyrosine 259 with cysteine.
Molecular consequence: missense variant.
Genome position (GRCh38, 1-based): chr5:177,514,938, T>C on the plus strand (A>G on the coding strand, the complement: DDX41 is on the minus strand). VCF-style: chr5-177514938-T-C. GRCh37 (hg19) VCF-style: chr5-176941939-T-C.
Other names: c.398A>G, p.Tyr133Cys (NM_001321732.2, NM_001321830.2); c.776A>G (NM_016222.3, NM_016222.2); short protein forms Y133C, Y259C.
Identifiers: ClinVar variation 1312512 (VCV001312512.7), dbSNP rs139780256, ClinGen allele CA3585027.